The following is an entry in ClinVar:

ClinVar aggregate classification (germline): Conflicting classifications of pathogenicity. Review status: criteria provided, conflicting classifications (1 of 4 stars). 5 submissions from 5 submitters: Pathogenic (1); Likely pathogenic (2); Uncertain significance (2). Last evaluated 2025-11-08.

Conditions:
Cardiovascular phenotype. Identifiers: MedGen CN230736.
Autosomal recessive limb-girdle muscular dystrophy type 2J (LGMDR10). Also called: MUSCULAR DYSTROPHY, LIMB-GIRDLE, AUTOSOMAL RECESSIVE 10; Limb-girdle muscular dystrophy, type 2J. Identifiers: Orphanet 140922, MedGen C1837342, MONDO:0012127, OMIM 608807.
Autosomal dominant centronuclear myopathy. Also called: Myopathy, centronuclear, 3; MYOTUBULAR MYOPATHY, AUTOSOMAL DOMINANT. Identifiers: Orphanet 169189, MedGen C4551952, MeSH D020914, MONDO:0008048, OMIM 160150.
Dilated cardiomyopathy 1G (CMD1G). Identifiers: Orphanet 154, MedGen C1858763, MONDO:0011400, OMIM 604145.
Myopathy, myofibrillar, 9, with early respiratory failure (MFM9). Also called: Myopathy, distal, with early respiratory failure, autosomal dominant; Hereditary myopathy with early respiratory failure; EDSTROM MYOPATHY; MYOPATHY, PROXIMAL, WITH EARLY RESPIRATORY MUSCLE INVOLVEMENT. Identifiers: Orphanet 178464, Orphanet 34521, MedGen C1863599, MONDO:0011362, OMIM 603689.
Tibial muscular dystrophy (TMD). Also called: UDD MYOPATHY; Tibial muscular dystrophy, tardive; Udd Distal Myopathy – Tibial Muscular Dystrophy. Identifiers: Orphanet 609, MedGen C1838244, MONDO:0010870, OMIM 600334.
Early-onset myopathy with fatal cardiomyopathy (CMYO5). Also called: Salih Myopathy; CONGENITAL MYOPATHY 5 WITH CARDIOMYOPATHY. Identifiers: Orphanet 289377, MedGen C2673677, MONDO:0012714, OMIM 611705. Disease mechanism: loss of function.

Submissions (5):

Labcorp Genetics (formerly Invitae), Labcorp
Classification: Pathogenic for Dilated cardiomyopathy 1G; Autosomal recessive limb-girdle muscular dystrophy type 2J. Last evaluated: 2025-11-08. Review status: criteria provided, single submitter. Criteria: Invitae Variant Classification Sherloc (09022015). Collection method: clinical testing. Allele origin: germline.
Comment: This sequence change creates a premature translational stop signal (p.Lys1838Serfs*27) in the TTN gene. While this is not anticipated to result in nonsense mediated decay, it is expected to create a truncated TTN protein. This variant is not present in population databases (gnomAD no frequency). This premature translational stop signal has been observed in individuals with autosomal dominant dilated cardiomyopathy (internal data). ClinVar contains an entry for this variant (Variation ID: 432712). This variant is located in the Z band of TTN (PMID: 25589632). Truncating variants in this region have been reported in individuals affected with autosomal recessive centronuclear myopathy (PMID: 33449170, internal data). Truncating variants in this region have also been identified in individuals affected with autosomal dominant dilated cardiomyopathy and/or cardio-related conditions (PMID: 27869827, 32964742, internal data). For these reasons, this variant has been classified as Pathogenic.

Variantyx, Inc.
Classification: Likely pathogenic for Dilated cardiomyopathy 1G. Last evaluated: 2025-07-08. Review status: criteria provided, single submitter. Criteria: Variantyx Assertion Criteria 2022. Collection method: clinical testing. Allele origin: germline. Inheritance: Autosomal dominant inheritance. Affected: yes.
Comment: This is a frameshift variant in the TTN gene (OMIM: 188840). Pathogenic variants in this gene have been associated with autosomal dominant dilated cardiomyopathy 1G. This variant introduces a premature termination codon in exon 28 out of 363 and is expected to result in loss of function, which is a known disease mechanism for TTN in this disorder (PMID: 27869827, 33226272) (PVS1). This variant has a 0.0003% maximum allele frequency in non-founder control populations (PM2). Based on the current evidence, this variant is classified as likely pathogenic for autosomal dominant dilated cardiomyopathy 1G.

Ambry Genetics
Classification: Likely pathogenic for Cardiovascular phenotype. Last evaluated: 2025-03-04. Review status: criteria provided, single submitter. Criteria: Ambry Variant Classification Scheme 2023. Collection method: clinical testing. Allele origin: germline.
Comment: The c.5375delA variant, located in coding exon 26 of the TTN gene, results from a deletion of one nucleotide at nucleotide position 5375, causing a translational frameshift with a predicted alternate stop codon (p.K1792Sfs*27). This exon is located in the near Z-disk/I-band region of the N2-B isoform of the titin protein and is constitutively expressed in TTN transcripts (percent spliced in or PSI 100%). This variant was reported in individual(s) with features consistent with dilated cardiomyopathy (Ambry internal data). This variant is considered to be rare based on population cohorts in the Genome Aggregation Database (gnomAD). This variant is expected to result in loss of function by premature protein truncation or nonsense-mediated mRNA decay. While truncating variants in TTN are present in 1-3% of the general population, truncating variants in the A-band are the most common cause of dilated cardiomyopathy (Herman DS et al. N. Engl. J. Med., 2012 Feb;366:619-28; Roberts AM et al. Sci Transl Med, 2015 Jan;7:270ra6). TTN truncating variants encoded in constitutive exons (PSI >90%) have been found to be significantly associated with DCM regardless of their position in titin (Schafer S et al. Nat. Genet., 2017 01;49:46-53; Akhtar MM et al. Circ Heart Fail, 2020 Oct;13:e006832; Massier M et al. Clin Genet, 2025 Jan). Based on the majority of available evidence to date, this variant is likely to be pathogenic.

GeneDx
Classification: Uncertain significance. Last evaluated: 2022-05-20. Review status: criteria provided, single submitter. Criteria: GeneDx Variant Classification Process June 2021. Collection method: clinical testing. Allele origin: germline. Affected: yes.
Comment: Has not been previously published as pathogenic or benign to our knowledge; Not observed at significant frequency in large population cohorts (gnomAD); Frameshift variant predicted to result in protein truncation or nonsense mediated decay in a gene or region of a gene for which loss of function is not a well-established mechanism of disease

Clinical Genomics Laboratory, Stanford Medicine
Classification: Uncertain significance for Dilated cardiomyopathy 1G; Tibial muscular dystrophy; Autosomal recessive limb-girdle muscular dystrophy type 2J; Myopathy, myofibrillar, 9, with early respiratory failure; Early-onset myopathy with fatal cardiomyopathy; Autosomal dominant centronuclear myopathy. Last evaluated: 2021-09-09. Review status: criteria provided, single submitter. Criteria: ACMG Guidelines, 2015. Collection method: clinical testing. Allele origin: germline. Observed: 1 variant allele, 1 heterozygote.
Comment: The p.Lys1838Serfs*27 variant in the TTN gene has not been previously reported in association with disease. This variant was absent from large population databases, including the Genome Aggregation Database. This variant results in 1bp deletion, which causes a shift in the protein reading frame, leading to a premature termination codon 27 amino acids downstream. Heterozygous loss of function variants in the A-band are an established mechanism of disease for the TTN gene, however, this variant is located in the Z-disk. These data were assessed using the ACMG/AMP variant interpretation guidelines. In summary, the significance of the p.Lys1838Serfs*27 variant is uncertain. [ACMG evidence codes used: PVS1_Moderate; PM2]

Literature cited by the submitters: PubMed 25589632 (cited by Labcorp Genetics (formerly Invitae), Labcorp); PubMed 33449170 (cited by Labcorp Genetics (formerly Invitae), Labcorp); PubMed 27869827 (cited by Labcorp Genetics (formerly Invitae), Labcorp and Variantyx, Inc.); PubMed 32964742 (cited by Labcorp Genetics (formerly Invitae), Labcorp); PubMed 33226272 (cited by Variantyx, Inc.).

NM_001267550.2(TTN):c.5513del (p.Lys1838fs)

Gene: TTN (titin; minus strand). Cytogenetic location: 2q31.2.
Variant type: Deletion.
Coding change: c.5513del on transcript NM_001267550.2 (MANE Select); coding-DNA position 5513, one base deleted (A; older notation c.5513delA).
Protein change: p.Lys1838fs; shifts the reading frame from lysine 1838.
Molecular consequence: frameshift variant.
Genome position (GRCh38, 1-based): chr2:178,776,351, T deleted on the plus strand (A on the coding strand, the reverse complement: TTN is on the minus strand); the first of 4 consecutive T bases (chr2:178,776,351-178,776,354); deleting any one gives the same sequence. VCF-style (leftmost placement, unchanged base first): chr2-178776350-CT-C. GRCh37 (hg19) VCF-style: chr2-179641077-CT-C.
Other names: c.5513delA (NM_001267550.2, NM_001256850.1); c.5513del, p.Lys1838fs (NM_001256850.1, NM_133378.4, NM_133379.5); c.5375del, p.Lys1792fs (NM_003319.4, NM_133432.3, NM_133437.4); c.5375delA (NM_003319.4); c.5513del (NM_001267550.1); short protein forms K1792fs, K1838fs.
Identifiers: ClinVar variation 432712 (VCV000432712.17), dbSNP rs1554007001, ClinGen allele CA645372704.